The following is an entry in ClinVar:

ClinVar aggregate classification (germline): Uncertain significance (1 of 4 stars; one submission).

Submission:

Labcorp Genetics (formerly Invitae), Labcorp
Classification: Uncertain significance. Last evaluated: 2022-07-21. Review status: criteria provided, single submitter. Criteria: Invitae Variant Classification Sherloc (09022015). Collection method: clinical testing. Allele origin: germline.
Comment: In summary, the available evidence is currently insufficient to determine the role of this variant in disease. Therefore, it has been classified as a Variant of Uncertain Significance. Algorithms developed to predict the effect of sequence changes on RNA splicing suggest that this variant may create or strengthen a splice site. This variant has not been reported in the literature in individuals affected with ERCC6-related conditions. This variant is not present in population databases (gnomAD no frequency). This variant, c.1335_1337dup, results in the insertion of 1 amino acid(s) of the ERCC6 protein (p.Gly446dup), but otherwise preserves the integrity of the reading frame.

NM_000124.4(ERCC6):c.1323AGG[6] (p.Gly446_Arg447insGly)

Genes: ERCC6 (ERCC excision repair 6, chromatin remodeling factor; minus strand), PGBD3 (piggyBac transposable element derived 3; minus strand). Cytogenetic location: 10q11.23.
Variant type: Microsatellite.
Coding change: c.1323AGG[6] on transcript NM_000124.4 (MANE Select); six copies in a row of the 3-base unit AGG starting at c.1323; the reference has five copies in a row; one copy, 3 bases duplicated.
Protein change: p.Gly446_Arg447insGly.
Molecular consequence: inframe insertion. On other transcripts: 5 prime UTR variant (1).
Genome position (GRCh38, 1-based): chr10:49,524,093-49,524,095, CCT duplicated on the plus strand (AGG on the coding strand, the reverse complement: ERCC6 is on the minus strand); duplicating any 3 consecutive bases within chr10:49,524,093-49,524,107 gives the same sequence; the position shown is the placement nearest the transcript's 3' end. VCF-style (leftmost placement, unchanged base first): chr10-49524092-A-ACCT. GRCh37 (hg19) VCF-style: chr10-50732138-A-ACCT.
Other names: c.1323AGG[6], p.Gly446_Arg447insGly (NM_001277058.2, NM_001277059.2, NM_001346440.2); c.-82AGG[6] (NM_170753.3).
Identifiers: ClinVar variation 1914277 (VCV001914277.5), dbSNP rs745524303, ClinGen allele CA2580615466.